The following is an entry in ClinVar:

ClinVar aggregate classification (germline): Conflicting classifications of pathogenicity. Review status: criteria provided, conflicting classifications (1 of 4 stars). 14 submissions from 14 submitters: Uncertain significance (5); Likely benign (6). 3 of the submissions do not count toward it. Last evaluated 2026-08-01.

Conditions:
Inherited breast cancer and ovarian cancer.
BRCA2-related disorder. Also called: BRCA2-related condition; BRCA2-related disorders. Identifiers: MedGen CN239275.
Breast and/or ovarian cancer. Identifiers: MedGen CN221562.
Hereditary cancer-predisposing syndrome. Also called: Neoplastic Syndromes, Hereditary; Tumor predisposition; Hereditary Cancer Syndrome; Hereditary neoplastic syndrome. Identifiers: Orphanet 140162, MedGen C0027672, MeSH D009386, MONDO:0015356.
Breast-ovarian cancer, familial, susceptibility to, 2 (BROVCA2). Also called: BRCA2 Hereditary Breast and Ovarian Cancer. Identifiers: Orphanet 145, MedGen C2675520, MONDO:0012933, OMIM 612555. Disease mechanism: loss of function.
Familial cancer of breast. Also called: hereditary breast carcinoma; Hereditary breast cancer; BREAST CANCER, FAMILIAL. Identifiers: Orphanet 227535, MedGen C0346153, MONDO:0016419, OMIM 114480. Disease mechanism: loss of function.
Hereditary breast ovarian cancer syndrome. Also called: BRCA1- and BRCA2-Associated Hereditary Breast and Ovarian Cancer; Hereditary breast and ovarian cancer; Hereditary breast and ovarian cancer syndrome; Hereditary breast and ovarian cancer syndrome (HBOC); Breast and ovarian cancer; Hereditary breast and/or ovarian cancer syndrome. Identifiers: Orphanet 145, MedGen C0677776, MeSH D061325, MONDO:0003582. Disease mechanism: loss of function.

Allele frequency attached by ClinVar (database versions not stated): TOPMed 0.00001.
gnomAD v4.1: 26 of 1,613,826 alleles (0.0016%); highest among the groups gnomAD compares: Non-Finnish European, 0.0022%; no homozygotes.

Submissions (14):

PreventionGenetics, part of Exact Sciences
Classification: Likely benign for BRCA2-related condition. Last evaluated: 2026-08-01. Review status: criteria provided, single submitter. Criteria: ACMG Guidelines, 2015. Collection method: clinical testing. Allele origin: germline.
Comment: This variant is classified as likely benign based on ACMG/AMP sequence variant interpretation guidelines (Richards et al. 2015 PMID: 25741868, with internal and published modifications).

Cambridge Genomics Laboratory, East Genomic Laboratory Hub, NHS Genomic Medicine Service
Classification: Likely benign for Inherited breast cancer and ovarian cancer. Last evaluated: 2026-05-07. Review status: criteria provided, single submitter. Criteria: ACGS Best Practice Guidelines for Variant Classification in Rare Disease 2020. Collection method: clinical testing. Allele origin: germline. Affected: yes.
Comment: BP1_Strong,BP4

Labcorp Genetics (formerly Invitae), Labcorp
Classification: Likely benign for Hereditary breast ovarian cancer syndrome. Last evaluated: 2025-12-16. Review status: criteria provided, single submitter. Criteria: Invitae Variant Classification Sherloc (09022015). Collection method: clinical testing. Allele origin: germline.

Quest Diagnostics Nichols Institute San Juan Capistrano
Classification: Uncertain significance. Last evaluated: 2025-07-30. Review status: criteria provided, single submitter. Criteria: Quest Diagnostics criteria. Collection method: clinical testing. Allele origin: unknown.
Comment: The BRCA2 c.5737T>G (p.Cys1913Gly) variant has been reported in the published literature in in individuals with breast cancer (PMID: 30287823 (2018), 34326862 (2021), 33471991 (2021), see also LOVD) and ovarian cancer (PMID: 36169650 (2022)). This variant has also been identified in reportedly unaffected individuals (PMID: 36243179 (2022), 33471991 (2021), see also LOVD). The frequency of this variant in the general population (Genome Aggregation Database) is uninformative in the assessment of its pathogenicity. Analysis of this variant using bioinformatics tools for the prediction of the effect of amino acid changes on protein structure and function yielded predictions that this variant is benign. Additional analysis using software algorithms for the prediction of the effect of nucleotide changes on BRCA2 mRNA splicing yielded predictions that this variant may result in the gain of a cryptic splice site without affecting the natural splice sites. Based on the available information, we are unable to determine the clinical significance of this variant.

GeneDx
Classification: Uncertain significance. Last evaluated: 2024-02-01. Review status: criteria provided, single submitter. Criteria: GeneDx Variant Classification Process June 2021. Collection method: clinical testing. Allele origin: germline. Affected: yes.
Comment: Not observed at significant frequency in large population cohorts (gnomAD); In silico analysis supports that this missense variant has a deleterious effect on protein structure/function; Observed in individual(s) with personal and/or family history of ovarian cancer (PMID: 36169650); Also known as 5965T>G; This variant is associated with the following publications: (PMID: 29884841, 23231788, 16683254, 30287823, 30212499, 32377563, 31176623, 36169650, 36243179)

University of Washington Department of Laboratory Medicine, University of Washington
Classification: Likely benign for Hereditary cancer-predisposing syndrome. Last evaluated: 2023-03-23. Review status: criteria provided, single submitter. Criteria: Dines et al. (Genet Med. 2020). Collection method: curation. Allele origin: germline.
Comment: Missense variant in a coldspot region where missense variants are very unlikely to be pathogenic (PMID:31911673).

BRCA2 exon 11 coldspot. Reclassification based on statistical prior probability.

Department of Pathology and Laboratory Medicine, Sinai Health System
Classification: Uncertain significance for Familial cancer of breast; Breast-ovarian cancer, familial, susceptibility to, 2. Last evaluated: 2022-10-05. Review status: criteria provided, single submitter. Criteria: ACMG Guidelines, 2015. Collection method: clinical testing. Allele origin: germline. Affected: yes.

Women's Health and Genetics/Laboratory Corporation of America, LabCorp
Classification: Uncertain significance. Last evaluated: 2022-06-27. Review status: criteria provided, single submitter. Criteria: LabCorp Variant Classification Summary - May 2015. Collection method: clinical testing. Allele origin: germline.
Comment: Variant summary: BRCA2 c.5737T>G (p.Cys1913Gly) results in a non-conservative amino acid change located in the BRCA2 repeat region (IPR002093) of the encoded protein sequence. Four of five in-silico tools predict a benign effect of the variant on protein function. The variant allele was found at a frequency of 3.6e-06 in 275934 control chromosomes (gnomAD and Momozawa 2018). The available data on variant occurrences in the general population are insufficient to allow any conclusion about variant significance. To our knowledge, no occurrence of c.5737T>G in individuals affected with Hereditary Breast And Ovarian Cancer Syndrome and no experimental evidence demonstrating its impact on protein function have been reported. Six clinical diagnostic laboratories have submitted clinical-significance assessments for this variant to ClinVar after 2014 without evidence for independent evaluation. Multiple laboratories reported the variant with conflicting assessments (likely benign, n=3; VUS, n=3). Based on the evidence outlined above, the variant was classified as uncertain significance.

CHEO Genetics Diagnostic Laboratory, Children's Hospital of Eastern Ontario
Classification: Uncertain significance for Breast and/or ovarian cancer. Last evaluated: 2022-02-15. Review status: criteria provided, single submitter. Criteria: ACMG Guidelines, 2015. Collection method: clinical testing. Allele origin: germline.

Ambry Genetics
Classification: Likely benign for Hereditary cancer-predisposing syndrome. Last evaluated: 2018-08-01. Review status: criteria provided, single submitter. Criteria: Ambry Variant Classification Scheme 2023. Collection method: clinical testing. Allele origin: germline.

Color Diagnostics, LLC DBA Color Health
Classification: Likely benign for Hereditary cancer-predisposing syndrome. Last evaluated: 2017-10-06. Review status: criteria provided, single submitter. Criteria: ACMG Guidelines, 2015. Collection method: clinical testing. Allele origin: germline.

Counsyl
Classification: Uncertain significance for Breast-ovarian cancer, familial, susceptibility to, 2. Last evaluated: 2018-01-02. Review status: no assertion criteria provided. Collection method: clinical testing. Allele origin: unknown. Not counted in ClinVar's aggregate classification.

Sharing Clinical Reports Project (SCRP)
Classification: Likely benign for Breast-ovarian cancer, familial 2. Last evaluated: 2013-12-06. Review status: no assertion criteria provided. Collection method: clinical testing. Allele origin: germline. Not counted in ClinVar's aggregate classification.

Breast Cancer Information Core (BIC) (BRCA2)
Classification: Uncertain significance for Breast-ovarian cancer, familial 2. Last evaluated: 2004-02-20. Review status: no assertion criteria provided. Collection method: clinical testing. Allele origin: germline. Affected: yes. Observed: 1 variant allele. Not counted in ClinVar's aggregate classification.

Literature cited by the submitters: PubMed 30287823 (cited by 3 submitters); PubMed 36243179 (cited by Quest Diagnostics Nichols Institute San Juan Capistrano); PubMed 36169650 (cited by Quest Diagnostics Nichols Institute San Juan Capistrano); PubMed 34326862 (cited by Quest Diagnostics Nichols Institute San Juan Capistrano); PubMed 31911673 (cited by Quest Diagnostics Nichols Institute San Juan Capistrano); PubMed 20858050 (cited by Quest Diagnostics Nichols Institute San Juan Capistrano and Women's Health and Genetics/Laboratory Corporation of America, LabCorp).

NM_000059.4(BRCA2):c.5737T>G (p.Cys1913Gly)

Gene: BRCA2 (BRCA2 DNA repair associated; plus strand). Cytogenetic location: 13q13.1.
Variant type: single nucleotide variant.
Coding change: c.5737T>G on transcript NM_000059.4 (MANE Select); coding-DNA position 5737, T replaced by G.
Protein change: p.Cys1913Gly; replaces cysteine 1913 with glycine.
Molecular consequence: missense variant.
Genome position (GRCh38, 1-based): chr13:32,340,092, T>G. VCF-style: chr13-32340092-T-G. GRCh37 (hg19) VCF-style: chr13-32914229-T-G.
Other names: 5965T>G; short protein forms C1913G.
Identifiers: ClinVar variation 96827 (VCV000096827.36), dbSNP rs80358799, ClinGen allele CA023107.